The following is an entry in ClinVar:

NM_006415.4(SPTLC1):c.19C>A (p.Gln7Lys)

Gene: SPTLC1 (serine palmitoyltransferase long chain base subunit 1; minus strand). Cytogenetic location: 9q22.31.
Variant type: single nucleotide variant.
Coding change: c.19C>A on transcript NM_006415.4 (MANE Select); coding-DNA position 19, C replaced by A.
Protein change: p.Gln7Lys; replaces glutamine 7 with lysine.
Molecular consequence: missense variant. On other transcripts: 5 prime UTR variant (2).
Genome position (GRCh38, 1-based): chr9:92,115,352, G>T on the plus strand (C>A on the coding strand, the complement: SPTLC1 is on the minus strand). VCF-style: chr9-92115352-G-T. GRCh37 (hg19) VCF-style: chr9-94877634-G-T.
Other names: c.19C>A, p.Gln7Lys (NM_001281303.2, NM_178324.3); c.-481C>A (NM_001368272.1); c.-592C>A (NM_001368273.1); short protein forms Q7K.
Identifiers: ClinVar variation 2019611 (VCV002019611.4), dbSNP rs1836414442, ClinGen allele CA373797626.

ClinVar aggregate classification (germline): Uncertain significance (1 of 4 stars; one submission).

Conditions:
Hereditary sensory and autonomic neuropathy type 1 (HSAN1). Also called: HSAN 1; HSN Type I; Hereditary Sensory Neuropathy Type I. Identifiers: Orphanet 36386, MedGen C0020071, MONDO:0018213.

Allele frequency attached by ClinVar (database versions not stated): TOPMed below 0.00001; gnomAD exomes 0.00001.
gnomAD v4.1: 15 of 1,612,986 alleles (0.00093%); highest among the groups gnomAD compares: Non-Finnish European, 0.0013%; no homozygotes.

Submission:

Labcorp Genetics (formerly Invitae), Labcorp
Classification: Uncertain significance for Hereditary sensory and autonomic neuropathy type 1. Last evaluated: 2022-10-09. Review status: criteria provided, single submitter. Criteria: Invitae Variant Classification Sherloc (09022015). Collection method: clinical testing. Allele origin: germline.
Comment: This sequence change replaces glutamine, which is neutral and polar, with lysine, which is basic and polar, at codon 7 of the SPTLC1 protein (p.Gln7Lys). This variant is not present in population databases (gnomAD no frequency). This variant has not been reported in the literature in individuals affected with SPTLC1-related conditions. Algorithms developed to predict the effect of missense changes on protein structure and function are either unavailable or do not agree on the potential impact of this missense change (SIFT: "Deleterious"; PolyPhen-2: "Benign"; Align-GVGD: "Class C0"). Algorithms developed to predict the effect of sequence changes on RNA splicing suggest that this variant may create or strengthen a splice site. In summary, the available evidence is currently insufficient to determine the role of this variant in disease. Therefore, it has been classified as a Variant of Uncertain Significance.